The following is an entry in ClinVar:

ClinVar aggregate classification (germline): Uncertain significance (1 of 4 stars; one submission).

Conditions:
Hereditary cancer-predisposing syndrome. Also called: Neoplastic Syndromes, Hereditary; Hereditary Cancer Syndrome; Hereditary neoplastic syndrome; Tumor predisposition. Identifiers: Orphanet 140162, MedGen C0027672, MeSH D009386, MONDO:0015356.

Submission:

Ambry Genetics
Classification: Uncertain significance for Hereditary cancer-predisposing syndrome. Last evaluated: 2023-05-21. Review status: criteria provided, single submitter. Criteria: Ambry Variant Classification Scheme 2023. Collection method: clinical testing. Allele origin: germline.
Comment: The p.P20A variant (also known as c.58C>G), located in coding exon 2 of the SDHC gene, results from a C to G substitution at nucleotide position 58. The proline at codon 20 is replaced by alanine, an amino acid with highly similar properties. This amino acid position is conserved. In addition, the in silico prediction for this alteration is inconclusive. Since supporting evidence is limited at this time, the clinical significance of this alteration remains unclear.

NM_003001.5(SDHC):c.58C>G (p.Pro20Ala)

Gene: SDHC (succinate dehydrogenase complex subunit C; plus strand). Cytogenetic location: 1q23.3.
Variant type: single nucleotide variant.
Coding change: c.58C>G on transcript NM_003001.5 (MANE Select); coding-DNA position 58, C replaced by G.
Protein change: p.Pro20Ala; replaces proline 20 with alanine.
Molecular consequence: missense variant. On other transcripts: 5 prime UTR variant (2), non-coding transcript variant (1), intron variant (4).
Genome position (GRCh38, 1-based): chr1:161,323,651, C>G. VCF-style: chr1-161323651-C-G. GRCh37 (hg19) VCF-style: chr1-161293441-C-G.
Other names: c.58C>G, p.Pro20Ala (NM_001035511.3, NM_001035512.3, NM_001278172.3 and 2 more transcripts); c.-54C>G (NM_001407119.1); c.-172C>G (NM_001407120.1); c.21-4745C>G (NM_001407116.1, NM_001407121.1, NM_001407117.1); c.20+9226C>G (NM_001035513.3); short protein forms P20A.
Identifiers: ClinVar variation 2561491 (VCV002561491.2), dbSNP rs757465324, ClinGen allele CA343359540.